The following is an entry in ClinVar:

NM_172364.5(CACNA2D4):c.*1624G>C

Gene: CACNA2D4 (calcium voltage-gated channel auxiliary subunit alpha2delta 4; minus strand). Cytogenetic location: 12p13.33.
Variant type: single nucleotide variant.
Coding change: c.*1624G>C on transcript NM_172364.5 (MANE Select); 1624 bases downstream of the stop codon, G replaced by C.
Molecular consequence: 3 prime UTR variant.
Genome position (GRCh38, 1-based): chr12:1,792,031, C>G on the plus strand (G>C on the coding strand, the complement: CACNA2D4 is on the minus strand). VCF-style: chr12-1792031-C-G. GRCh37 (hg19) VCF-style: chr12-1901197-C-G.
Identifiers: ClinVar variation 307792 (VCV000307792.6), dbSNP rs59734486, ClinGen allele CA10636934.
Genomic context (GRCh38, chr12:1,792,031, plus strand): 5'-AGCATGTATTTATTTAGCGTTTAGTATATGCCAGGCAGTTTCAAGCATGTTACGTGAATA[C>G]ATCACATTCAATCTTCATACACTCTTCCGGTAATTTGGAGGCAATTTTCAACTCTGCTGC-3'

ClinVar aggregate classification (germline): Benign. Review status: criteria provided, multiple submitters, no conflicts (2 of 4 stars). 2 submissions from 2 submitters: Benign (2). Last evaluated 2018-01-12.

Conditions:
Retinal cone dystrophy 4 (RCD4). Identifiers: Orphanet 1872, MedGen C1864849, MONDO:0012507, OMIM 610478.

Allele frequency attached by ClinVar (database versions not stated): gnomAD 0.01859 and 0.01973; TOPMed 0.02038; 1000 Genomes Project 0.02157; 1000 Genomes Project 30x 0.02452.

Submissions (2):

Illumina Laboratory Services, Illumina
Classification: Benign for Retinal cone dystrophy 4. Last evaluated: 2018-01-12. Review status: criteria provided, single submitter. Criteria: ICSL Variant Classification Criteria 13 December 2019. Collection method: clinical testing. Allele origin: germline.
Comment: This variant was observed in the ICSL laboratory as part of a predisposition screen in an ostensibly healthy population. It had not been previously curated by ICSL or reported in the Human Gene Mutation Database (HGMD: prior to June 1st, 2018), and was therefore a candidate for classification through an automated scoring system. Utilizing variant allele frequency, disease prevalence and penetrance estimates, and inheritance mode, an automated score was calculated to assess if this variant is too frequent to cause the disease. Based on the score and internal cut-off values, a variant classified as benign is not then subjected to further curation. The score for this variant resulted in a classification of benign for this disease.

Breakthrough Genomics
Classification: Benign. Review status: criteria provided, single submitter. Criteria: ACMG Guidelines, 2015. Collection method: not provided. Allele origin: germline. Inheritance: Autosomal recessive inheritance. Affected: yes.